The following is an entry in ClinVar:

NM_002972.4(SBF1):c.5402T>C (p.Met1801Thr)

Gene: SBF1 (SET binding factor 1; minus strand). Cytogenetic location: 22q13.33.
Variant type: single nucleotide variant.
Coding change: c.5402T>C on transcript NM_002972.4 (MANE Select); coding-DNA position 5402, T replaced by C.
Protein change: p.Met1801Thr; replaces methionine 1801 with threonine.
Molecular consequence: missense variant.
Genome position (GRCh38, 1-based): chr22:50,447,571, A>G on the plus strand (T>C on the coding strand, the complement: SBF1 is on the minus strand). VCF-style: chr22-50447571-A-G. GRCh37 (hg19) VCF-style: chr22-50886000-A-G.
Other names: c.5327T>C, p.Met1776Thr (NM_001365819.1); c.5405T>C, p.Met1802Thr (NM_001410794.1); c.5324T>C, p.Met1775Thr (NM_001410795.1); c.5402T>C, p.Met1801Thr (NM_197971.1); short protein forms M1776T, M1802T, M1775T, M1801T.
Identifiers: ClinVar variation 2003746 (VCV002003746.4), dbSNP rs2066883042, ClinGen allele CA412185018.
Genomic context (GRCh38, chr22:50,447,571, plus strand): 5'-TGATCACTCACCTGGTGCTTGGTCTTGTCCAGCACGAACCAGCGGGCCTTCCAAGGCTTC[A>G]TGAAGGCCCCCTTCTTGTACAGAGTGCCCTCGTAGGACCTGCATTTCCAGCAGAACCAGG-3'
Protein context (NP_002963.2, residues 1791-1811): EGTLYKKGAF[Met1801Thr]KPWKARWFVL

ClinVar aggregate classification (germline): Uncertain significance (1 of 4 stars; one submission).

Allele frequency attached by ClinVar (database versions not stated): gnomAD exomes below 0.00001; gnomAD 0.00001.

Submission:

Labcorp Genetics (formerly Invitae), Labcorp
Classification: Uncertain significance. Last evaluated: 2023-08-17. Review status: criteria provided, single submitter. Criteria: Invitae Variant Classification Sherloc (09022015). Collection method: clinical testing. Allele origin: germline.
Comment: In summary, the available evidence is currently insufficient to determine the role of this variant in disease. Therefore, it has been classified as a Variant of Uncertain Significance. Advanced modeling of protein sequence and biophysical properties (such as structural, functional, and spatial information, amino acid conservation, physicochemical variation, residue mobility, and thermodynamic stability) performed at Invitae indicates that this missense variant is expected to disrupt SBF1 protein function. ClinVar contains an entry for this variant (Variation ID: 2003746). This variant has not been reported in the literature in individuals affected with SBF1-related conditions. This variant is not present in population databases (gnomAD no frequency). This sequence change replaces methionine, which is neutral and non-polar, with threonine, which is neutral and polar, at codon 1801 of the SBF1 protein (p.Met1801Thr).